The following is an entry in ClinVar:

GRCh38/hg38 5p15.33-15.32(chr5:38141-4593542)x3

Genes: LPCAT1 (lysophosphatidylcholine acyltransferase 1), LRRC14B (leucine rich repeat containing 14B; plus strand), LSINCT5 (long stress-induced non-coding transcript 5; plus strand), MIR4277 (microRNA 4277; minus strand), MIR4456 (microRNA 4456) and 198 more. Cytogenetic location: 5p15.33-15.32.
Variant type: copy number gain.
Change: copy number 3 (three copies instead of two) of chr5:38,141-4,593,542 (4.56 Mb, GRCh38 coordinates, 1-based), cytogenetic band 5p15.33-15.32.
Identifiers: ClinVar variation 4974725 (VCV004974725.1).

ClinVar aggregate classification (germline): Likely pathogenic (1 of 4 stars; one submission).

Submission:

Clinical Genomics Laboratory, Laboratory for Precision Diagnostics, University of Washington
Classification: Likely pathogenic. Last evaluated: 2024-12-20. Review status: criteria provided, single submitter. Criteria: ACMG/ClinGen CNV Guidelines, 2019. Collection method: clinical testing. Allele origin: unknown. Affected: yes. Observed: 1 variant allele.
Comment: This terminal duplication is approximately 4.55 Mb in size and contains 28 protein-coding genes. None of the individual genes in this region are known to cause health problems when present in a third copy. This duplication lies within a genomic region for which there is some evidence of triplosensitivity, but the region is much larger (11.3 Mb). PMID: 12030892 described three members of a family who all have a duplication of 5p15.3. Their shared traits included some distinctive facial features and learning and attention difficulties.

Literature cited by the submitters: PubMed 12030892.